The following is an entry in ClinVar:

ClinVar aggregate classification (germline): Uncertain significance (1 of 4 stars; one submission).

Conditions:
Cardiovascular phenotype. Identifiers: MedGen CN230736.
Hereditary cancer-predisposing syndrome. Also called: Tumor predisposition; Neoplastic Syndromes, Hereditary; Hereditary Cancer Syndrome; Hereditary neoplastic syndrome. Identifiers: Orphanet 140162, MedGen C0027672, MeSH D009386, MONDO:0015356.

Submission:

Ambry Genetics
Classification: Uncertain significance for Cardiovascular phenotype; Hereditary cancer-predisposing syndrome. Last evaluated: 2025-02-08. Review status: criteria provided, single submitter. Criteria: Ambry Variant Classification Scheme 2023. Collection method: clinical testing. Allele origin: germline.
Comment: The p.L2618P variant (also known as c.7853T>C), located in coding exon 53 of the NF1 gene, results from a T to C substitution at nucleotide position 7853. The leucine at codon 2618 is replaced by proline, an amino acid with similar properties. This amino acid position is conserved. In addition, this alteration is predicted to be deleterious by in silico analysis. Based on the available evidence, the clinical significance of this variant remains unclear.

NM_001042492.3(NF1):c.7916T>C (p.Leu2639Pro)

Gene: NF1 (neurofibromin 1; plus strand). Cytogenetic location: 17q11.2.
Variant type: single nucleotide variant.
Coding change: c.7916T>C on transcript NM_001042492.3 (MANE Select); coding-DNA position 7916, T replaced by C.
Protein change: p.Leu2639Pro; replaces leucine 2639 with proline.
Molecular consequence: missense variant.
Genome position (GRCh38, 1-based): chr17:31,357,315, T>C. VCF-style: chr17-31357315-T-C. GRCh37 (hg19) VCF-style: chr17-29684333-T-C.
Other names: c.7853T>C, p.Leu2618Pro (NM_000267.4); short protein forms L2639P, L2618P.
Identifiers: ClinVar variation 3879099 (VCV003879099.1).
Genomic context (GRCh38, chr17:31,357,315, plus strand): 5'-TTGCATCTTGGCAGGCTACACTGGTAAAATATACCACAGATGAGTTTGATCAACGAATTC[T>C]TTATGAATACTTAGCAGAGGCCAGTGTTGTGTTTCCCAAAGTCTTTCCTGTTGTGTAAGT-3'
Protein context (NP_001035957.1, residues 2629-2649): YTTDEFDQRI[Leu2639Pro]YEYLAEASVV